The following is an entry in ClinVar:

NC_000005.10:g.112707410G>C

Gene: APC (APC regulator of Wnt signaling pathway; plus strand). Cytogenetic location: 5q22.2.
Variant type: single nucleotide variant.
Genome position: GRCh38 VCF-style: chr5-112707410-G-C. GRCh37 (hg19) VCF-style: chr5-112043107-G-C.
Identifiers: ClinVar variation 2906463 (VCV002906463.3), dbSNP rs896715004, ClinGen allele CA2739274967.

ClinVar aggregate classification (germline): Uncertain significance (1 of 4 stars; one submission).

Conditions:
Familial adenomatous polyposis 1 (FAP1). Also called: FAMILIAL ADENOMATOUS POLYPOSIS 1, ATTENUATED; POLYPOSIS, ADENOMATOUS INTESTINAL. Identifiers: MedGen C2713442, MONDO:0021056, OMIM 175100. Disease mechanism: loss of function.

Submission:

Labcorp Genetics (formerly Invitae), Labcorp
Classification: Uncertain significance for Familial adenomatous polyposis 1. Last evaluated: 2025-01-08. Review status: criteria provided, single submitter. Criteria: Invitae Variant Classification Sherloc (09022015). Collection method: clinical testing. Allele origin: germline.
Comment: This variant occurs in a non-coding region of the APC gene. It does not change the encoded amino acid sequence of the APC protein. This variant is not present in population databases (gnomAD no frequency). This variant has not been reported in the literature in individuals affected with APC-related conditions. Experimental studies and prediction algorithms are not available or were not evaluated, and the functional significance of this variant is currently unknown. In summary, the available evidence is currently insufficient to determine the role of this variant in disease. Therefore, it has been classified as a Variant of Uncertain Significance.